The following is an entry in ClinVar:

NM_000135.4(FANCA):c.376A>C (p.Thr126Pro)

Gene: FANCA (FA complementation group A; minus strand). Cytogenetic location: 16q24.3.
Variant type: single nucleotide variant.
Coding change: c.376A>C on transcript NM_000135.4 (MANE Select); coding-DNA position 376, A replaced by C.
Protein change: p.Thr126Pro; replaces threonine 126 with proline.
Molecular consequence: missense variant.
Genome position (GRCh38, 1-based): chr16:89,810,979, T>G on the plus strand (A>C on the coding strand, the complement: FANCA is on the minus strand). VCF-style: chr16-89810979-T-G. GRCh37 (hg19) VCF-style: chr16-89877387-T-G.
Other names: c.376A>C, p.Thr126Pro (NM_001018112.3, NM_001286167.3, NM_001351830.2); short protein forms T126P.
Identifiers: ClinVar variation 4870857 (VCV004870857.1).

ClinVar aggregate classification (germline): Uncertain significance (1 of 4 stars; one submission).

Conditions:
Inborn genetic diseases. Identifiers: MedGen C0950123, MeSH D030342.

Submission:

Ambry Genetics
Classification: Uncertain significance for Inborn genetic diseases. Last evaluated: 2026-04-30. Review status: criteria provided, single submitter. Criteria: Ambry Variant Classification Scheme 2023. Collection method: clinical testing. Allele origin: germline.
Comment: The p.T126P variant (also known as c.376A>C), located in coding exon 4 of the FANCA gene, results from an A to C substitution at nucleotide position 376. The threonine at codon 126 is replaced by proline, an amino acid with highly similar properties. This amino acid position is conserved. In addition, this alteration is predicted to be tolerated by in silico analysis. Based on the available evidence, the clinical significance of this variant remains unclear.